The following is an entry in ClinVar:

NM_178452.6(DNAAF1):c.649C>T (p.Gln217Ter)

Gene: DNAAF1 (dynein axonemal assembly factor 1; plus strand). Cytogenetic location: 16q24.1.
Variant type: single nucleotide variant.
Coding change: c.649C>T on transcript NM_178452.6 (MANE Select); coding-DNA position 649, C replaced by T.
Protein change: p.Gln217Ter; replaces glutamine 217 with a stop codon.
Molecular consequence: nonsense.
Genome position (GRCh38, 1-based): chr16:84,155,657, C>T. VCF-style: chr16-84155657-C-T. GRCh37 (hg19) VCF-style: chr16-84189262-C-T.
Other names: short protein forms Q217*.
Identifiers: ClinVar variation 2160990 (VCV002160990.4), dbSNP rs201630226, ClinGen allele CA8202561.

ClinVar aggregate classification (germline): Pathogenic (1 of 4 stars; one submission).

Conditions:
Primary ciliary dyskinesia. Also called: Ciliary dyskinesia. Identifiers: Orphanet 244, MedGen C0008780, MONDO:0016575, HP:0012265.

Allele frequency attached by ClinVar (database versions not stated): gnomAD exomes below 0.00001; TOPMed below 0.00001; ExAC 0.00001.
gnomAD v4.1: 2 of 1,614,160 alleles (0.00012%); highest among the groups gnomAD compares: Non-Finnish European, 0.00017%; no homozygotes.

Submission:

Labcorp Genetics (formerly Invitae), Labcorp
Classification: Pathogenic for Primary ciliary dyskinesia. Last evaluated: 2022-10-17. Review status: criteria provided, single submitter. Criteria: Invitae Variant Classification Sherloc (09022015). Collection method: clinical testing. Allele origin: germline.
Comment: This sequence change creates a premature translational stop signal (p.Gln217*) in the DNAAF1 gene. It is expected to result in an absent or disrupted protein product. Loss-of-function variants in DNAAF1 are known to be pathogenic (PMID: 19944400, 19944405). This variant is present in population databases (rs201630226, gnomAD 0.0009%). For these reasons, this variant has been classified as Pathogenic. Algorithms developed to predict the effect of sequence changes on RNA splicing suggest that this variant may disrupt the consensus splice site. This variant has not been reported in the literature in individuals affected with DNAAF1-related conditions.

Literature cited by the submitters: PubMed 19944400; PubMed 19944405.